The following is an entry in ClinVar:

NM_014264.5(PLK4):c.2140T>A (p.Leu714Met)

Gene: PLK4 (polo like kinase 4; plus strand). Cytogenetic location: 4q28.1.
Variant type: single nucleotide variant.
Coding change: c.2140T>A on transcript NM_014264.5 (MANE Select); coding-DNA position 2140, T replaced by A.
Protein change: p.Leu714Met; replaces leucine 714 with methionine.
Molecular consequence: missense variant.
Genome position (GRCh38, 1-based): chr4:127,892,466, T>A. VCF-style: chr4-127892466-T-A. GRCh37 (hg19) VCF-style: chr4-128813621-T-A.
Other names: c.2044T>A, p.Leu682Met (NM_001190799.2); c.2017T>A, p.Leu673Met (NM_001190801.2); short protein forms L682M, L673M, L714M.
Identifiers: ClinVar variation 1045839 (VCV001045839.4), dbSNP rs1735397755, ClinGen allele CA358160397.

ClinVar aggregate classification (germline): Uncertain significance (1 of 4 stars; one submission).

Submission:

Labcorp Genetics (formerly Invitae), Labcorp
Classification: Uncertain significance. Last evaluated: 2022-08-22. Review status: criteria provided, single submitter. Criteria: Invitae Variant Classification Sherloc (09022015). Collection method: clinical testing. Allele origin: germline.
Comment: In summary, the available evidence is currently insufficient to determine the role of this variant in disease. Therefore, it has been classified as a Variant of Uncertain Significance. Algorithms developed to predict the effect of missense changes on protein structure and function are either unavailable or do not agree on the potential impact of this missense change (SIFT: "Deleterious"; PolyPhen-2: "Probably Damaging"; Align-GVGD: "Class C0"). ClinVar contains an entry for this variant (Variation ID: 1045839). This variant has not been reported in the literature in individuals affected with PLK4-related conditions. This variant is not present in population databases (gnomAD no frequency). This sequence change replaces leucine, which is neutral and non-polar, with methionine, which is neutral and non-polar, at codon 714 of the PLK4 protein (p.Leu714Met).